The following is an entry in ClinVar:

NM_004281.4(BAG3):c.449A>G (p.Gln150Arg)

Gene: BAG3 (BAG cochaperone 3; plus strand). Cytogenetic location: 10q26.11.
Variant type: single nucleotide variant.
Coding change: c.449A>G on transcript NM_004281.4 (MANE Select); coding-DNA position 449, A replaced by G.
Protein change: p.Gln150Arg; replaces glutamine 150 with arginine.
Molecular consequence: missense variant.
Genome position (GRCh38, 1-based): chr10:119,670,119, A>G. VCF-style: chr10-119670119-A-G. GRCh37 (hg19) VCF-style: chr10-121429631-A-G.
Other names: p.Gln150Arg; short protein forms Q150R.
Identifiers: ClinVar variation 3762688 (VCV003762688.2).

ClinVar aggregate classification (germline): Uncertain significance. Review status: criteria provided, multiple submitters, no conflicts (2 of 4 stars). 2 submissions from 2 submitters: Uncertain significance (2). Last evaluated 2025-10-07.

Conditions:
Dilated cardiomyopathy 1HH (CMD1HH). Identifiers: Orphanet 154, MedGen C3151293, MONDO:0013479, OMIM 613881.
Myofibrillar myopathy 6. Identifiers: Orphanet 199340, MedGen C2751831, MONDO:0013061, OMIM 612954.

gnomAD v4.1: 1 of 1,613,434 alleles (0.000062%); highest among the groups gnomAD compares: Non-Finnish European, 0.000085%; no homozygotes.

Submissions (2):

Mayo Clinic Laboratories, Mayo Clinic
Classification: Uncertain significance. Last evaluated: 2025-10-07. Review status: criteria provided, single submitter. Criteria: ACMG Guidelines, 2015. Collection method: clinical testing. Allele origin: germline. Observed: 1 variant allele.
Comment: BP4_moderate, PM2_supporting

Labcorp Genetics (formerly Invitae), Labcorp
Classification: Uncertain significance for Dilated cardiomyopathy 1HH; Myofibrillar myopathy 6. Last evaluated: 2024-05-21. Review status: criteria provided, single submitter. Criteria: Invitae Variant Classification Sherloc (09022015). Collection method: clinical testing. Allele origin: germline.
Comment: This sequence change replaces glutamine, which is neutral and polar, with arginine, which is basic and polar, at codon 150 of the BAG3 protein (p.Gln150Arg). This variant is not present in population databases (gnomAD no frequency). This variant has not been reported in the literature in individuals affected with BAG3-related conditions. Advanced modeling of protein sequence and biophysical properties (such as structural, functional, and spatial information, amino acid conservation, physicochemical variation, residue mobility, and thermodynamic stability) performed at Invitae indicates that this missense variant is not expected to disrupt BAG3 protein function with a negative predictive value of 80%. In summary, the available evidence is currently insufficient to determine the role of this variant in disease. Therefore, it has been classified as a Variant of Uncertain Significance.